The following is an entry in ClinVar:

NM_002878.4(RAD51D):c.598G>C (p.Val200Leu)

Genes: RAD51L3-RFFL (RAD51L3-RFFL readthrough; minus strand), RAD51D (RAD51 paralog D; minus strand). Cytogenetic location: 17q12.
Variant type: single nucleotide variant.
Coding change: c.598G>C on transcript NM_002878.4 (MANE Select); coding-DNA position 598, G replaced by C.
Protein change: p.Val200Leu; replaces valine 200 with leucine.
Molecular consequence: missense variant. On other transcripts: non-coding transcript variant (3).
Genome position (GRCh38, 1-based): chr17:35,103,523, C>G on the plus strand (G>C on the coding strand, the complement: RAD51D is on the minus strand). VCF-style: chr17-35103523-C-G. GRCh37 (hg19) VCF-style: chr17-33430542-C-G.
Other names: c.658G>C, p.Val220Leu (NM_001142571.2); c.262G>C, p.Val88Leu (NM_133629.3); short protein forms V200L, V220L, V88L.
Identifiers: ClinVar variation 1750895 (VCV001750895.6), dbSNP rs1567726600, ClinGen allele CA399087959.
Genomic context (GRCh38, chr17:35,103,523, plus strand): 5'-GCTGACCTCCCAGAAGTGGGGAAACCACCGCAGTGACCGAGTCCACAACCACCACCTTCA[C>G]AGTTCCTGAAGAACCAGTCACCTGAAGGAATGTGGGGGAAGCACTCATGAACCTGTCAGC-3'
Protein context (NP_002869.3, residues 190-210): AQQVTGSSGT[Val200Leu]KVVVVDSVTA

ClinVar aggregate classification (germline): Conflicting classifications of pathogenicity. Review status: criteria provided, conflicting classifications (1 of 4 stars). 2 submissions from 2 submitters: Uncertain significance (1); Likely benign (1). Last evaluated 2025-11-04.

Conditions:
Hereditary cancer-predisposing syndrome. Also called: Hereditary Cancer Syndrome; Hereditary neoplastic syndrome; Neoplastic Syndromes, Hereditary; Tumor predisposition. Identifiers: Orphanet 140162, MedGen C0027672, MeSH D009386, MONDO:0015356.
Breast-ovarian cancer, familial, susceptibility to, 4. Identifiers: Orphanet 145, MedGen C3280345, MONDO:0013669, OMIM 614291.

Allele frequency attached by ClinVar (database versions not stated): TOPMed below 0.00001.

Submissions (2):

Labcorp Genetics (formerly Invitae), Labcorp
Classification: Uncertain significance for Breast-ovarian cancer, familial, susceptibility to, 4. Last evaluated: 2025-11-04. Review status: criteria provided, single submitter. Criteria: Invitae Variant Classification Sherloc (09022015). Collection method: clinical testing. Allele origin: germline.
Comment: This sequence change replaces valine, which is neutral and non-polar, with leucine, which is neutral and non-polar, at codon 200 of the RAD51D protein (p.Val200Leu). This variant is not present in population databases (gnomAD no frequency). This variant has not been reported in the literature in individuals affected with RAD51D-related conditions. ClinVar contains an entry for this variant (Variation ID: 1750895). Invitae Evidence Modeling of protein sequence and biophysical properties (such as structural, functional, and spatial information, amino acid conservation, physicochemical variation, residue mobility, and thermodynamic stability) indicates that this missense variant is not expected to disrupt RAD51D protein function with a negative predictive value of 80%. In summary, the available evidence is currently insufficient to determine the role of this variant in disease. Therefore, it has been classified as a Variant of Uncertain Significance.

Ambry Genetics
Classification: Likely benign for Hereditary cancer-predisposing syndrome. Last evaluated: 2024-04-25. Review status: criteria provided, single submitter. Criteria: Ambry Variant Classification Scheme 2023. Collection method: clinical testing. Allele origin: germline.